The following is an entry in ClinVar:

NM_012062.5(DNM1L):c.-48A>G

Gene: DNM1L (dynamin 1 like; plus strand). Cytogenetic location: 12p11.21.
Variant type: single nucleotide variant.
Coding change: c.-48A>G on transcript NM_012062.5 (MANE Select); 48 bases upstream of the start codon, A replaced by G.
Molecular consequence: 5 prime UTR variant.
Genome position (GRCh38, 1-based): chr12:32,679,316, A>G. VCF-style: chr12-32679316-A-G. GRCh37 (hg19) VCF-style: chr12-32832250-A-G.
Other names: c.-48A>G (NM_001278463.2, NM_001278464.2, NM_001278465.2 and 3 more transcripts); c.-253A>G (NM_001278466.2).
Identifiers: ClinVar variation 380124 (VCV000380124.1), dbSNP rs374414603, ClinGen allele CA6507183.

ClinVar aggregate classification (germline): Likely benign (1 of 4 stars; one submission).

Allele frequency attached by ClinVar (database versions not stated): gnomAD exomes 0.00001 and 0.00003; gnomAD 0.00004; ExAC 0.00006; ESP Exome Variant Server 0.00008; TOPMed 0.00008.
gnomAD v4.1: 18 of 1,332,478 alleles (0.0014%); highest among the groups gnomAD compares: African/African-American, 0.016%; no homozygotes.

Submission:

GeneDx
Classification: Likely benign. Last evaluated: 2016-02-03. Review status: criteria provided, single submitter. Criteria: GeneDx Variant Classification (06012015). Collection method: clinical testing. Allele origin: germline. Affected: yes.
Comment: This variant is considered likely benign or benign based on one or more of the following criteria: it is a conservative change, it occurs at a poorly conserved position in the protein, it is predicted to be benign by multiple in silico algorithms, and/or has population frequency not consistent with disease.